The following is an entry in ClinVar:

ClinVar aggregate classification (germline): Uncertain significance (1 of 4 stars; one submission).

Conditions:
NCOA1-related disorder. Also called: NCOA1-related condition.

gnomAD v4.1: 6 of 1,614,118 alleles (0.00037%); highest among the groups gnomAD compares: African/African-American, 0.0013%; no homozygotes.

Submission:

PreventionGenetics, part of Exact Sciences
Classification: Uncertain significance for NCOA1-related condition. Last evaluated: 2024-11-13. Review status: criteria provided, single submitter. Criteria: ACMG Guidelines, 2015. Collection method: clinical testing. Allele origin: germline.
Comment: The NCOA1 c.1843A>C variant is predicted to result in the amino acid substitution p.Asn615His. To our knowledge, this variant has not been reported in the literature or in a large population database, indicating this variant is rare. At this time, the clinical significance of this variant is uncertain due to the absence of conclusive functional and genetic evidence.

NM_003743.5(NCOA1):c.1843A>C (p.Asn615His)

Gene: NCOA1 (nuclear receptor coactivator 1; plus strand). Cytogenetic location: 2p23.3.
Variant type: single nucleotide variant.
Coding change: c.1843A>C on transcript NM_003743.5 (MANE Select); coding-DNA position 1843, A replaced by C.
Protein change: p.Asn615His; replaces asparagine 615 with histidine.
Molecular consequence: missense variant.
Genome position (GRCh38, 1-based): chr2:24,707,313, A>C. VCF-style: chr2-24707313-A-C. GRCh37 (hg19) VCF-style: chr2-24930182-A-C.
Other names: c.1843A>C, p.Asn615His (NM_001362950.1, NM_001362952.1, NM_001362954.1 and 3 more transcripts); short protein forms N615H.
Identifiers: ClinVar variation 4980046 (VCV004980046.1).